The following is an entry in ClinVar:

ClinVar aggregate classification (germline): Uncertain significance (1 of 4 stars; one submission).

Conditions:
Cardiovascular phenotype. Identifiers: MedGen CN230736.

Submission:

Ambry Genetics
Classification: Uncertain significance for Cardiovascular phenotype. Last evaluated: 2019-01-02. Review status: criteria provided, single submitter. Criteria: Ambry Variant Classification Scheme 2023. Collection method: clinical testing. Allele origin: germline.
Comment: The p.T3376I variant (also known as c.10127C>T), located in coding exon 41 of the AKAP9 gene, results from a C to T substitution at nucleotide position 10127. The threonine at codon 3376 is replaced by isoleucine, an amino acid with similar properties. This amino acid position is not well conserved in available vertebrate species. In addition, this alteration is predicted to be tolerated by in silico analysis. Since supporting evidence is limited at this time, the clinical significance of this alteration remains unclear.

NM_005751.5(AKAP9):c.10127C>T (p.Thr3376Ile)

Gene: AKAP9 (A-kinase anchoring protein 9; plus strand). Cytogenetic location: 7q21.2.
Variant type: single nucleotide variant.
Coding change: c.10127C>T on transcript NM_005751.5 (MANE Select); coding-DNA position 10127, C replaced by T.
Protein change: p.Thr3376Ile; replaces threonine 3376 with isoleucine.
Molecular consequence: missense variant.
Genome position (GRCh38, 1-based): chr7:92,097,086, C>T. VCF-style: chr7-92097086-C-T. GRCh37 (hg19) VCF-style: chr7-91726400-C-T.
Other names: c.4772C>T, p.Thr1591Ile (NM_001379277.1); c.10103C>T, p.Thr3368Ile (NM_147185.3); short protein forms T3368I, T3376I, T1591I.
Identifiers: ClinVar variation 1732790 (VCV001732790.2), dbSNP rs2535300540, ClinGen allele CA368153815.